The following is an entry in ClinVar:

NM_005430.4(WNT1):c.553G>C (p.Val185Leu)

Gene: WNT1 (Wnt family member 1; plus strand). Cytogenetic location: 12q13.12.
Variant type: single nucleotide variant.
Coding change: c.553G>C on transcript NM_005430.4 (MANE Select); coding-DNA position 553, G replaced by C.
Protein change: p.Val185Leu; replaces valine 185 with leucine.
Molecular consequence: missense variant.
Genome position (GRCh38, 1-based): chr12:48,980,618, G>C. VCF-style: chr12-48980618-G-C. GRCh37 (hg19) VCF-style: chr12-49374401-G-C.
Other names: short protein forms V185L.
Identifiers: ClinVar variation 3665889 (VCV003665889.2).
Genomic context (GRCh38, chr12:48,980,618, plus strand): 5'-TGGCACTGGGGGGGCTGCAGCGACAACATTGACTTCGGCCGCCTCTTCGGCCGGGAGTTC[G>C]TGGACTCCGGGGAGAAGGGGCGGGACCTGCGCTTCCTCATGAACCTTCACAACAACGAGG-3'
Protein context (NP_005421.1, residues 175-195): DFGRLFGREF[Val185Leu]DSGEKGRDLR

ClinVar aggregate classification (germline): Uncertain significance (1 of 4 stars; one submission).

Submission:

Labcorp Genetics (formerly Invitae), Labcorp
Classification: Uncertain significance. Last evaluated: 2024-09-01. Review status: criteria provided, single submitter. Criteria: Invitae Variant Classification Sherloc (09022015). Collection method: clinical testing. Allele origin: germline.
Comment: This sequence change replaces valine, which is neutral and non-polar, with leucine, which is neutral and non-polar, at codon 185 of the WNT1 protein (p.Val185Leu). The frequency data for this variant in the population databases is considered unreliable, as metrics indicate poor data quality at this position in the gnomAD database. This variant has not been reported in the literature in individuals affected with WNT1-related conditions. Invitae Evidence Modeling of protein sequence and biophysical properties (such as structural, functional, and spatial information, amino acid conservation, physicochemical variation, residue mobility, and thermodynamic stability) indicates that this missense variant is not expected to disrupt WNT1 protein function with a negative predictive value of 80%. In summary, the available evidence is currently insufficient to determine the role of this variant in disease. Therefore, it has been classified as a Variant of Uncertain Significance.